The following is an entry in ClinVar:

ClinVar aggregate classification (germline): Uncertain significance (1 of 4 stars; one submission).

Submission:

GeneDx
Classification: Uncertain significance. Last evaluated: 2024-12-12. Review status: criteria provided, single submitter. Criteria: GeneDx Variant Classification Process June 2021. Collection method: clinical testing. Allele origin: germline. Affected: yes.
Comment: Not observed at significant frequency in large population cohorts (gnomAD); In-frame deletion of 2 amino acids and insertion of 1 different amino acid in a non-repeat region; In silico analysis supports a deleterious effect on protein structure/function; Has not been previously published as pathogenic or benign to our knowledge

NM_005141.5(FGB):c.653_655del (p.Ala218_Gln219delinsGlu)

Gene: FGB (fibrinogen beta chain; plus strand). Cytogenetic location: 4q31.3.
Variant type: Deletion.
Coding change: c.653_655del on transcript NM_005141.5 (MANE Select); coding-DNA positions 653 to 655, 3 bases deleted (CTC; older notation c.653_655delCTC).
Protein change: p.Ala218_Gln219delinsGlu.
Molecular consequence: inframe indel.
Genome position (GRCh38, 1-based): chr4:154,567,755-154,567,757, CTC deleted. VCF-style (leftmost placement, unchanged base first): chr4-154567754-GCTC-G. GRCh37 (hg19) VCF-style: chr4-155488906-GCTC-G.
Other names: c.476_478del, p.Ala159_Gln160delinsGlu (NM_001184741.1); c.521_523del, p.Ala174_Gln175delinsGlu (NM_001382759.1); c.653_655del, p.Ala218_Gln219delinsGlu (NM_001382760.1, NM_001382761.1, NM_001382762.1 and 3 more transcripts); c.653_655delCTC, p.Ala218_Gln219delinsGlu (NM_005141.4).
Identifiers: ClinVar variation 3903101 (VCV003903101.1).